The following is an entry in ClinVar:

ClinVar aggregate classification (germline): Uncertain significance (1 of 4 stars; one submission).

Conditions:
Primary ciliary dyskinesia. Also called: Ciliary dyskinesia. Identifiers: Orphanet 244, MedGen C0008780, MONDO:0016575, HP:0012265.

Allele frequency attached by ClinVar (database versions not stated): gnomAD exomes 0.00001; ExAC 0.00002; gnomAD 0.00002.
gnomAD v4.1: 10 of 1,202,172 alleles (0.00083%); highest among the groups gnomAD compares: South Asian, 0.0071%; no homozygotes.

Submission:

Labcorp Genetics (formerly Invitae), Labcorp
Classification: Uncertain significance for Primary ciliary dyskinesia. Last evaluated: 2023-08-02. Review status: criteria provided, single submitter. Criteria: Invitae Variant Classification Sherloc (09022015). Collection method: clinical testing. Allele origin: germline.
Comment: In summary, the available evidence is currently insufficient to determine the role of this variant in disease. Therefore, it has been classified as a Variant of Uncertain Significance. Advanced modeling of protein sequence and biophysical properties (such as structural, functional, and spatial information, amino acid conservation, physicochemical variation, residue mobility, and thermodynamic stability) performed at Invitae indicates that this missense variant is not expected to disrupt RPGR protein function. This variant has not been reported in the literature in individuals affected with RPGR-related conditions. This variant is present in population databases (rs771830247, gnomAD 0.005%). This sequence change replaces proline, which is neutral and non-polar, with glutamine, which is neutral and polar, at codon 419 of the RPGR protein (p.Pro419Gln).

NM_001034853.2(RPGR):c.1256C>A (p.Pro419Gln)

Gene: RPGR (retinitis pigmentosa GTPase regulator; minus strand). Cytogenetic location: Xp11.4.
Variant type: single nucleotide variant.
Coding change: c.1256C>A on transcript NM_001034853.2 (MANE Select); coding-DNA position 1256, C replaced by A.
Protein change: p.Pro419Gln; replaces proline 419 with glutamine.
Molecular consequence: missense variant. On other transcripts: non-coding transcript variant (6).
Genome position (GRCh38, 1-based): chrX:38,297,442, G>T on the plus strand (C>A on the coding strand, the complement: RPGR is on the minus strand). VCF-style: chrX-38297442-G-T. GRCh37 (hg19) VCF-style: chrX-38156695-G-T.
Other names: c.1256C>A, p.Pro419Gln (NM_000328.3, NM_001367247.1); c.1253C>A, p.Pro418Gln (NM_001367245.1, NM_001367249.1, NM_001367250.1); c.1070C>A, p.Pro357Gln (NM_001367246.1, NM_001367251.1); c.1286C>A, p.Pro429Gln (NM_001367248.1); short protein forms P418Q, P429Q, P357Q, P419Q.
Identifiers: ClinVar variation 2882718 (VCV002882718.3), dbSNP rs771830247, ClinGen allele CA10385501.